The following is an entry in ClinVar:

ClinVar aggregate classification (germline): Uncertain significance (1 of 4 stars; one submission).

gnomAD v4.1: 10 of 1,604,788 alleles (0.00062%); highest among the groups gnomAD compares: Non-Finnish European, 0.00059%; no homozygotes.

Submission:

Ambry Genetics
Classification: Uncertain significance. Last evaluated: 2024-12-14. Review status: criteria provided, single submitter. Criteria: Ambry Variant Classification Scheme 2023. Collection method: clinical testing. Allele origin: germline.
Comment: The p.Y815H variant (also known as c.2443T>C), located in coding exon 6 of the CDK12 gene, results from a T to C substitution at nucleotide position 2443. The tyrosine at codon 815 is replaced by histidine, an amino acid with similar properties. This amino acid position is conserved. In addition, this alteration is predicted to be deleterious by in silico analysis. Based on the available evidence, the clinical significance of this variant remains unclear.

NM_016507.4(CDK12):c.2443T>C (p.Tyr815His)

Gene: CDK12 (cyclin dependent kinase 12; plus strand). Cytogenetic location: 17q12.
Variant type: single nucleotide variant.
Coding change: c.2443T>C on transcript NM_016507.4 (MANE Select); coding-DNA position 2443, T replaced by C.
Protein change: p.Tyr815His; replaces tyrosine 815 with histidine.
Molecular consequence: missense variant.
Genome position (GRCh38, 1-based): chr17:39,501,273, T>C. VCF-style: chr17-39501273-T-C. GRCh37 (hg19) VCF-style: chr17-37657526-T-C.
Other names: c.2443T>C, p.Tyr815His (NM_015083.4); short protein forms Y815H.
Identifiers: ClinVar variation 3830336 (VCV003830336.1).
Genomic context (GRCh38, chr17:39,501,273, plus strand): 5'-TTTTTCTTGCTTTTAATTTTTTTTCGTCTTTATGTAGGTGCCTTTTACCTTGTATTTGAG[T>C]ATATGGACCATGACTTAATGGGACTGCTAGAATCTGGTTTGGTGCACTTTTCTGAGGACC-3'
Protein context (NP_057591.2, residues 805-825): DKGAFYLVFE[Tyr815His]MDHDLMGLLE